The following is an entry in ClinVar:

NM_000551.4(VHL):c.623A>G (p.His208Arg)

Genes: VHL (von Hippel-Lindau tumor suppressor; plus strand), LOC107303340 (3p25 von Hippel-Lindau tumor suppressor, E3 ubiquitin protein ligase Alu-mediated recombination region; plus strand). Cytogenetic location: 3p25.3.
Variant type: single nucleotide variant.
Coding change: c.623A>G on transcript NM_000551.4 (MANE Select); coding-DNA position 623, A replaced by G.
Protein change: p.His208Arg; replaces histidine 208 with arginine.
Molecular consequence: missense variant. On other transcripts: 3 prime UTR variant (1).
Genome position (GRCh38, 1-based): chr3:10,149,946, A>G. VCF-style: chr3-10149946-A-G. GRCh37 (hg19) VCF-style: chr3-10191630-A-G.
Other names: c.*177A>G (NM_001354723.2); c.500A>G, p.His167Arg (NM_198156.3); short protein forms H167R, H208R.
Identifiers: ClinVar variation 1042008 (VCV001042008.10), dbSNP rs1696366534, ClinGen allele CA351756683.

ClinVar aggregate classification (germline): Uncertain significance (1 of 4 stars; one submission).

Conditions:
Von Hippel-Lindau syndrome (VHLS). Also called: Von Hippel-Lindau; von Hippel–Lindau syndrome; VHL syndrome. Identifiers: Orphanet 892, MedGen C0019562, MONDO:0008667, OMIM 193300. Disease mechanism: loss of function.
Chuvash polycythemia. Also called: POLYCYTHEMIA, VHL-DEPENDENT. Identifiers: Orphanet 238557, MedGen C1837915, MONDO:0009892, OMIM 263400.

Allele frequency attached by ClinVar (database versions not stated): gnomAD exomes below 0.00001.
gnomAD v4.1: 1 of 1,614,088 alleles (0.000062%); highest among the groups gnomAD compares: South Asian, 0.0011%; no homozygotes.

Submission:

Labcorp Genetics (formerly Invitae), Labcorp
Classification: Uncertain significance for Von Hippel-Lindau syndrome; Chuvash polycythemia. Last evaluated: 2025-04-07. Review status: criteria provided, single submitter. Criteria: Invitae Variant Classification Sherloc (09022015). Collection method: clinical testing. Allele origin: germline.
Comment: This sequence change replaces histidine, which is basic and polar, with arginine, which is basic and polar, at codon 208 of the VHL protein (p.His208Arg). This variant is not present in population databases (gnomAD no frequency). This variant has not been reported in the literature in individuals affected with VHL-related conditions. ClinVar contains an entry for this variant (Variation ID: 1042008). Invitae Evidence Modeling of protein sequence and biophysical properties (such as structural, functional, and spatial information, amino acid conservation, physicochemical variation, residue mobility, and thermodynamic stability) indicates that this missense variant is not expected to disrupt VHL protein function with a negative predictive value of 95%. In summary, the available evidence is currently insufficient to determine the role of this variant in disease. Therefore, it has been classified as a Variant of Uncertain Significance.